The following is an entry in ClinVar:

ClinVar aggregate classification (germline): Likely benign (1 of 4 stars; one submission).

gnomAD v4.1: 2 of 1,614,166 alleles (0.00012%); highest among the groups gnomAD compares: African/African-American, 0.0013%; no homozygotes.

Submission:

CeGaT Center for Human Genetics Tuebingen
Classification: Likely benign. Last evaluated: 2025-08-01. Review status: criteria provided, single submitter. Criteria: CeGaT Center For Human Genetics Tuebingen Variant Classification Criteria Version 2. Collection method: clinical testing. Allele origin: germline. Affected: yes. Observed: 1 variant allele.
Comment: SON: BP4, BP7

NM_138927.4(SON):c.5088C>T (p.Leu1696=)

Gene: SON (SON DNA and RNA binding protein; plus strand). Cytogenetic location: 21q22.11.
Variant type: single nucleotide variant.
Coding change: c.5088C>T on transcript NM_138927.4 (MANE Select); coding-DNA position 5088, C replaced by T.
Protein change: p.Leu1696=; no amino-acid change (leucine 1696 retained).
Molecular consequence: synonymous variant. On other transcripts: non-coding transcript variant (1), intron variant (1).
Genome position (GRCh38, 1-based): chr21:33,554,319, C>T. VCF-style: chr21-33554319-C-T. GRCh37 (hg19) VCF-style: chr21-34926625-C-T.
Other names: c.5088C>T, p.Leu1696= (NM_001291411.2, NM_032195.3); c.245-2837C>T (NM_001291412.3).
Identifiers: ClinVar variation 4085812 (VCV004085812.8).
Genomic context (GRCh38, chr21:33,554,319, plus strand): 5'-TAAGGATACAGAAGAACCATTACCTGTAAAAGAGAGTGACCAGACATTAGCAGCTCTGCT[C>T]AGCCCTAAAGAAAGTAGTGGAGGAGAAAAAGAAGTACCTCCCCCTCCTAAAGAGACACTG-3'
Protein context (NP_620305.3, residues 1686-1706): KESDQTLAAL[Leu1696=]SPKESSGGEK